The following is an entry in ClinVar:

NM_000180.4(GUCY2D):c.1501A>G (p.Asn501Asp)

Gene: GUCY2D (guanylate cyclase 2D, retinal; plus strand). Cytogenetic location: 17p13.1.
Variant type: single nucleotide variant.
Coding change: c.1501A>G on transcript NM_000180.4 (MANE Select); coding-DNA position 1501, A replaced by G.
Protein change: p.Asn501Asp; replaces asparagine 501 with aspartic acid.
Molecular consequence: missense variant.
Genome position (GRCh38, 1-based): chr17:8,007,463, A>G. VCF-style: chr17-8007463-A-G. GRCh37 (hg19) VCF-style: chr17-7910781-A-G.
Other names: short protein forms N501D.
Identifiers: ClinVar variation 1020958 (VCV001020958.9), dbSNP rs1975767998, ClinGen allele CA397949180.
Genomic context (GRCh38, chr17:8,007,463, plus strand): 5'-GAGGTGACCTCTTTCTCCACCAGGCACCGGCTACTTCACATGCAAATGGTCTCCGGCCCC[A>G]ACAAGATCATCCTGACCGTGGACGACATCACCTTTCTCCACCCACATGGGGGCACCTCTC-3'
Protein context (NP_000171.1, residues 491-511): LLHMQMVSGP[Asn501Asp]KIILTVDDIT

ClinVar aggregate classification (germline): Uncertain significance (1 of 4 stars; one submission).

Conditions:
Cone-rod dystrophy 6 (CORD6). Also called: RETINAL CONE DYSTROPHY 2; Cone dystrophy progressive. Identifiers: Orphanet 1872, MedGen C1866293, MONDO:0011143, OMIM 601777.
Leber congenital amaurosis 1 (LCA1). Also called: RETINAL BLINDNESS, CONGENITAL; Congenital absence of the rods and cones; Leber's congenital tapetoretinal degeneration; Leber's congenital tapetoretinal dysplasia; AMAUROSIS CONGENITA OF LEBER I. Identifiers: Orphanet 65, MedGen C2931258, MONDO:0008764, OMIM 204000.

Allele frequency attached by ClinVar (database versions not stated): gnomAD exomes below 0.00001.
gnomAD v4.1: 3 of 1,613,860 alleles (0.00019%); highest among the groups gnomAD compares: Non-Finnish European, 0.00025%; no homozygotes.

Submission:

Labcorp Genetics (formerly Invitae), Labcorp
Classification: Uncertain significance for Leber congenital amaurosis 1; Cone-rod dystrophy 6. Last evaluated: 2020-02-02. Review status: criteria provided, single submitter. Criteria: Invitae Variant Classification Sherloc (09022015). Collection method: clinical testing. Allele origin: germline.
Comment: This variant is not present in population databases (ExAC no frequency). This sequence change replaces asparagine with aspartic acid at codon 501 of the GUCY2D protein (p.Asn501Asp). The asparagine residue is highly conserved and there is a small physicochemical difference between asparagine and aspartic acid. This variant has not been reported in the literature in individuals with GUCY2D-related conditions. In summary, the available evidence is currently insufficient to determine the role of this variant in disease. Therefore, it has been classified as a Variant of Uncertain Significance. Algorithms developed to predict the effect of missense changes on protein structure and function are either unavailable or do not agree on the potential impact of this missense change (SIFT: "Deleterious"; PolyPhen-2: "Benign"; Align-GVGD: "Class C15").